The following is an entry in ClinVar:

ClinVar aggregate classification (germline): Pathogenic/Likely pathogenic. Review status: criteria provided, multiple submitters, no conflicts (2 of 4 stars). 10 submissions from 10 submitters: Pathogenic (3); Likely pathogenic (5). 2 of the submissions do not count toward it. Last evaluated 2026-08-06.

Conditions:
Microcephaly 6, primary, autosomal recessive. Identifiers: Orphanet 2512, MedGen C1842109, MONDO:0012029, OMIM 608393.
Seckel syndrome 4 (SCKL4). Identifiers: Orphanet 808, MedGen C3888212, MONDO:0013358, OMIM 613676.

Allele frequency attached by ClinVar (database versions not stated): ExAC 0.00005; ESP Exome Variant Server 0.00008; gnomAD 0.00009 and 0.00029; gnomAD exomes 0.00010; TOPMed 0.00010 and 0.00011.
gnomAD v4.1: 150 of 1,614,076 alleles (0.0093%); highest among the groups gnomAD compares: Admixed American, 0.017%; no homozygotes.

Submissions (10):

OLLIN Analises Genomicas, OLLIN
Classification: Likely pathogenic for Microcephaly 6, primary, autosomal recessive. Last evaluated: 2026-08-06. Review status: criteria provided, single submitter. Criteria: ACMG Guidelines 2015 PMID 25741868. Collection method: clinical testing. Allele origin: germline.
Comment: This nonsense variant, located in exon 7 (of 17), has been reported in ClinVar (accession VCV000158194.22) and in gnomAD with an allele frequency of 0.0093%. However, to our knowledge, it has not been reported in the scientific literature. This variant introduces a premature stop codon, which is predicted to result in either a truncated protein or degradation of the mRNA via nonsense-mediated decay (NMD). According to the currently available evidence, this variant has been classified as likely pathogenic (PVS1, PM2_P).

Labcorp Genetics (formerly Invitae), Labcorp
Classification: Pathogenic. Last evaluated: 2026-01-19. Review status: criteria provided, single submitter. Criteria: Invitae Variant Classification Sherloc (09022015). Collection method: clinical testing. Allele origin: germline.
Comment: This sequence change creates a premature translational stop signal (p.Ser529*) in the CENPJ gene. It is expected to result in an absent or disrupted protein product. Loss-of-function variants in CENPJ are known to be pathogenic (PMID: 15793586, 16900296, 20522431). This variant is present in population databases (rs202058504, gnomAD 0.02%). This variant has not been reported in the literature in individuals affected with CENPJ-related conditions. ClinVar contains an entry for this variant (Variation ID: 158194). For these reasons, this variant has been classified as Pathogenic.

Revvity Omics, Revvity
Classification: Likely pathogenic. Last evaluated: 2025-04-01. Review status: criteria provided, single submitter. Criteria: ACMG Guidelines, 2015. Collection method: clinical testing. Allele origin: germline.

Variantyx, Inc.
Classification: Likely pathogenic for Microcephaly 6, primary, autosomal recessive. Last evaluated: 2025-03-19. Review status: criteria provided, single submitter. Criteria: Variantyx Assertion Criteria 2022. Collection method: clinical testing. Allele origin: germline. Inheritance: Autosomal recessive inheritance. Affected: no.
Comment: This is a nonsense variant in the CENPJ gene (OMIM: 609279). Pathogenic variants in this gene have been associated with autosomal recessive primary microcephaly 6. This variant introduces a premature termination codon in exon seven out of seventeen and is expected to result in loss of function, which is a known disease mechanism for CENPJ in this disorder (PMID: 15793586, 16900296, 2052243) (PVS1). This variant has a 0.0167% maximum allele frequency in non-founder control populations (PM2) and it has not been reported in individuals with CENPJ-related disorders in the databases available for review. Based on the current evidence, this variant is classified as likely pathogenic for autosomal recessive primary microcephaly 6.

Dasa
Classification: Pathogenic for Microcephaly 6, primary, autosomal recessive. Last evaluated: 2022-11-03. Review status: criteria provided, single submitter. Criteria: ACMG Guidelines, 2015. Collection method: clinical testing. Allele origin: germline. Affected: yes. Observed: 1 variant allele.
Comment: The c.1586C>G;p.(Ser529*) variant creates a premature translational stop signal in the CENPJ gene. It is expected to result in an absent or disrupted protein product - PVS1. ClinVar contains an entry for this variant (Clinvar ID: 158194) - PS4_supporting. The variant is present at low allele frequencies population databases (rs202058504 – gnomAD 0.001169%; ABraOM no frequency) - PM2_supporting. In summary, the currently available evidence indicates that the variant is pathogenic.

Fulgent Genetics
Classification: Likely pathogenic for Microcephaly 6, primary, autosomal recessive; Seckel syndrome 4. Last evaluated: 2018-10-31. Review status: criteria provided, single submitter. Criteria: ACMG Guidelines, 2015. Collection method: clinical testing. Allele origin: unknown.

Genetic Services Laboratory, University of Chicago
Classification: Pathogenic for Microcephaly 6, primary, autosomal recessive. Last evaluated: 2013-02-08. Review status: criteria provided, single submitter. Criteria: ACMG Guidelines, 2007. Collection method: clinical testing. Allele origin: germline. Inheritance: Autosomal recessive inheritance. Affected: yes.

Molecular Genetics Department, Kulakov National Medical Research Center for Obstetrics, Gynecology and Perinatology
Classification: Likely pathogenic for Microcephaly 6, primary, autosomal recessive. Review status: criteria provided, single submitter. Criteria: ACMG Guidelines, 2015. Collection method: clinical testing. Allele origin: maternal. Affected: yes.
Comment: A previously undescribed nucleotide variant creates a premature translation stop signal p.Ser529Ter in the CENPJ gene. Homozygous and compound heterozygous variants are reported in patients with Microcephaly 6, primary, autosomal recessive, 608393, and Seckel syndrome 4, 613676. The variant is present in gnomAD population database at low frequency (24/250986 chromosomes, no homozygotes). In summary, the currently available evidence indicates that the variant is pathogenic, but additional data are needed to prove that conclusively. Therefore, this variant has been classified as likely pathogenic.

Service de Génétique Moléculaire, Hôpital Robert Debré
Classification: Pathogenic for Microcephaly 6, primary, autosomal recessive. Review status: no assertion criteria provided. Collection method: clinical testing. Allele origin: unknown. Affected: yes. Not counted in ClinVar's aggregate classification.

GeneDx
Classification: Uncertain significance. Last evaluated: 2022-06-08. Review status: flagged submission. Criteria: GeneDx Variant Classification Process June 2021. Collection method: clinical testing. Allele origin: germline. Affected: yes. Not counted in ClinVar's aggregate classification.
Comment: Nonsense variant predicted to result in protein truncation or nonsense mediated decay in a gene for which loss of function is a known mechanism of disease; Has not been previously published as pathogenic or benign to our knowledge; This variant is associated with the following publications: (PMID: 31589614)
ClinVar note: Reason: Outlier claim with insufficient supporting evidence

Literature cited by the submitters: PubMed 15793586 (cited by Labcorp Genetics (formerly Invitae), Labcorp and Variantyx, Inc.); PubMed 16900296 (cited by Labcorp Genetics (formerly Invitae), Labcorp and Variantyx, Inc.); PubMed 20522431 (cited by Labcorp Genetics (formerly Invitae), Labcorp); PubMed 2052243 (cited by Variantyx, Inc.).

NM_018451.5(CPAP):c.1586C>G (p.Ser529Ter)

Gene: CPAP (centrosome assembly and centriole elongation protein; minus strand). Cytogenetic location: 13q12.13.
Variant type: single nucleotide variant.
Coding change: c.1586C>G on transcript NM_018451.5 (MANE Select); coding-DNA position 1586, C replaced by G.
Protein change: p.Ser529Ter; replaces serine 529 with a stop codon.
Molecular consequence: nonsense. On other transcripts: non-coding transcript variant (2).
Genome position (GRCh38, 1-based): chr13:24,906,452, G>C on the plus strand (C>G on the coding strand, the complement: CPAP is on the minus strand). VCF-style: chr13-24906452-G-C. GRCh37 (hg19) VCF-style: chr13-25480590-G-C.
Other names: short protein forms S529*.
Identifiers: ClinVar variation 158194 (VCV000158194.23), dbSNP rs202058504, ClinGen allele CA271249.